The following is an entry in ClinVar:

ClinVar aggregate classification (germline): Uncertain significance (1 of 4 stars; one submission).

Allele frequency attached by ClinVar (database versions not stated): gnomAD exomes below 0.00001 and 0.00001; gnomAD 0.00001; TOPMed 0.00001; ExAC 0.00002.
gnomAD v4.1: 5 of 1,613,722 alleles (0.00031%); highest among the groups gnomAD compares: South Asian, 0.0011%; no homozygotes.

Submission:

Labcorp Genetics (formerly Invitae), Labcorp
Classification: Uncertain significance. Last evaluated: 2022-11-15. Review status: criteria provided, single submitter. Criteria: Invitae Variant Classification Sherloc (09022015). Collection method: clinical testing. Allele origin: germline.
Comment: In summary, the available evidence is currently insufficient to determine the role of this variant in disease. Therefore, it has been classified as a Variant of Uncertain Significance. ClinVar contains an entry for this variant (Variation ID: 1423764). This variant has not been reported in the literature in individuals affected with UNC119-related conditions. This variant is present in population databases (rs767590360, gnomAD 0.002%). This sequence change replaces threonine, which is neutral and polar, with methionine, which is neutral and non-polar, at codon 146 of the UNC119 protein (p.Thr146Met). Algorithms developed to predict the effect of missense changes on protein structure and function are either unavailable or do not agree on the potential impact of this missense change (SIFT: "Not Available"; PolyPhen-2: "Probably Damaging"; Align-GVGD: "Not Available").

NM_005148.4(UNC119):c.437C>T (p.Thr146Met)

Gene: UNC119 (unc-119 lipid binding chaperone; minus strand). Cytogenetic location: 17q11.2.
Variant type: single nucleotide variant.
Coding change: c.437C>T on transcript NM_005148.4 (MANE Select); coding-DNA position 437, C replaced by T.
Protein change: p.Thr146Met; replaces threonine 146 with methionine.
Molecular consequence: missense variant.
Genome position (GRCh38, 1-based): chr17:28,547,999, G>A on the plus strand (C>T on the coding strand, the complement: UNC119 is on the minus strand). VCF-style: chr17-28547999-G-A. GRCh37 (hg19) VCF-style: chr17-26875017-G-A.
Other names: c.152C>T, p.Thr51Met (NM_001330166.2); c.437C>T, p.Thr146Met (NM_054035.2); short protein forms T51M, T146M.
Identifiers: ClinVar variation 1423764 (VCV001423764.6), dbSNP rs767590360, ClinGen allele CA8459802.
Genomic context (GRCh38, chr17:28,547,999, plus strand): 5'-GAAGGGCCCACTCACACCCTCTCCCTCACCCCCACCACCACCCATAGCCCAGCGACTCAC[G>A]TGGCTCCCACCTGCCTCAGGCGGAGGAAGGCAGGCGTGAACTGGTAGCGGACAAAGCGCC-3'
Protein context (NP_005139.1, residues 136-156): AFLRLRQVGA[Thr146Met]VEFTVGDKPV